The following is an entry in ClinVar:

NM_139318.5(KCNH5):c.1235G>A (p.Gly412Glu)

Gene: KCNH5 (potassium voltage-gated channel subfamily H member 5; minus strand). Cytogenetic location: 14q23.2.
Variant type: single nucleotide variant.
Coding change: c.1235G>A on transcript NM_139318.5 (MANE Select); coding-DNA position 1235, G replaced by A.
Protein change: p.Gly412Glu; replaces glycine 412 with glutamic acid.
Molecular consequence: missense variant.
Genome position (GRCh38, 1-based): chr14:62,950,267, C>T on the plus strand (G>A on the coding strand, the complement: KCNH5 is on the minus strand). VCF-style: chr14-62950267-C-T. GRCh37 (hg19) VCF-style: chr14-63416985-C-T.
Other names: c.1235G>A, p.Gly412Glu (NM_172375.3); short protein forms G412E.
Identifiers: ClinVar variation 4975444 (VCV004975444.1).

ClinVar aggregate classification (germline): Uncertain significance (1 of 4 stars; one submission).

Submission:

GeneDx
Classification: Uncertain significance. Last evaluated: 2026-01-22. Review status: criteria provided, single submitter. Criteria: GeneDx Variant Classification Process June 2021. Collection method: clinical testing. Allele origin: germline.
Comment: Not observed at significant frequency in large population cohorts (gnomAD); In silico analysis supports that this missense variant has a deleterious effect on protein structure/function; Has not been previously published as pathogenic or benign to our knowledge